The following is an entry in ClinVar:

ClinVar aggregate classification (germline): Pathogenic/Likely pathogenic. Review status: criteria provided, multiple submitters, no conflicts (2 of 4 stars). 4 submissions from 4 submitters: Pathogenic (2); Likely pathogenic (2). Last evaluated 2025-04-22.

Conditions:
Deficiency of alpha-mannosidase (MANSA). Also called: Mannosidosis, alpha-, types I and II; LYSOSOMAL ALPHA-D-MANNOSIDASE DEFICIENCY; Alpha-Mannosidosis. Identifiers: Orphanet 61, MedGen C0024748, MONDO:0009561, OMIM 248500.

Submissions (4):

Myriad Genetics, Inc.
Classification: Pathogenic for Deficiency of alpha-mannosidase. Last evaluated: 2025-04-22. Review status: criteria provided, single submitter. Criteria: Myriad Autosomal Dominant, Autosomal Recessive and X-Linked Classification Criteria (2023). Collection method: clinical testing. Allele origin: unknown.
Comment: NM_000528.3(MAN2B1):c.161_162delCA(T54Mfs*19) is a frameshift variant classified as pathogenic in the context of alpha-mannosidosis. T54Mfs*19 has not been observed in cases with relevant disease. Relevant functional assessments of this variant are not available in the literature. T54Mfs*19 has not been observed in referenced population frequency databases. In summary, NM_000528.3(MAN2B1):c.161_162delCA(T54Mfs*19) is a frameshift variant in a gene where loss of function is a known mechanism of disease and is predicted to disrupt protein function. Please note: this variant was assessed in the context of healthy population screening.

Fulgent Genetics
Classification: Likely pathogenic for Deficiency of alpha-mannosidase. Last evaluated: 2024-05-25. Review status: criteria provided, single submitter. Criteria: ACMG Guidelines, 2015. Collection method: clinical testing. Allele origin: germline.

Natera, Inc.
Classification: Likely pathogenic for Alpha-mannosidosis. Last evaluated: 2024-02-21. Review status: criteria provided, single submitter. Criteria: Natera Variant Classification Schema (03/2026). Collection method: clinical testing. Allele origin: germline.
Comment: The c.161_162delCA variant in MAN2B1 is a frameshift variant predicted to shift the reading frame beginning at codon 54 and leads to a stop codon 19 codons downstream. This variant is expected to result in nonsense mediated decay, truncation, or a dysfunctional protein product. This variant is rare in the general population with a frequency below the threshold expected for the associated phenotype(s). Given the available evidence, this variant is classified as Likely Pathogenic.

Labcorp Genetics (formerly Invitae), Labcorp
Classification: Pathogenic for Deficiency of alpha-mannosidase. Last evaluated: 2021-08-02. Review status: criteria provided, single submitter. Criteria: Invitae Variant Classification Sherloc (09022015). Collection method: clinical testing. Allele origin: germline.
Comment: For these reasons, this variant has been classified as Pathogenic. This variant has not been reported in the literature in individuals affected with MAN2B1-related conditions. This variant is not present in population databases (ExAC no frequency). This sequence change creates a premature translational stop signal (p.Thr54Metfs*19) in the MAN2B1 gene. It is expected to result in an absent or disrupted protein product. Loss-of-function variants in MAN2B1 are known to be pathogenic (PMID: 9915946, 22161967).

Literature cited by the submitters: PubMed 9915946 (cited by Labcorp Genetics (formerly Invitae), Labcorp); PubMed 22161967 (cited by Labcorp Genetics (formerly Invitae), Labcorp).

NM_000528.4(MAN2B1):c.161_162del (p.Thr54fs)

Gene: MAN2B1 (mannosidase alpha class 2B member 1; minus strand). Cytogenetic location: 19p13.13.
Variant type: Deletion.
Coding change: c.161_162del on transcript NM_000528.4 (MANE Select); coding-DNA positions 161 to 162, 2 bases deleted (CA; older notation c.161_162delCA).
Protein change: p.Thr54fs; shifts the reading frame from threonine 54.
Molecular consequence: frameshift variant.
Genome position (GRCh38, 1-based): chr19:12,665,803-12,665,804, TG deleted on the plus strand (CA on the coding strand, the reverse complement: MAN2B1 is on the minus strand); deleting any 2 consecutive bases within chr19:12,665,803-12,665,805 gives the same sequence; the c. name uses the placement nearest the transcript's 3' end. VCF-style (leftmost placement, unchanged base first): chr19-12665802-ATG-A. GRCh37 (hg19) VCF-style: chr19-12776616-ATG-A.
Other names: c.161_162del, p.Thr54fs (NM_001173498.2); c.161_162delCA (NM_000528.3); short protein forms T54fs.
Identifiers: ClinVar variation 1365083 (VCV001365083.9), dbSNP rs2145290975, ClinGen allele CA2573156087.